The following is an entry in ClinVar:

NM_015136.3(STAB1):c.6108T>C (p.Ser2036=)

Gene: STAB1 (stabilin 1; plus strand). Cytogenetic location: 3p21.1.
Variant type: single nucleotide variant.
Coding change: c.6108T>C on transcript NM_015136.3 (MANE Select); coding-DNA position 6108, T replaced by C.
Protein change: p.Ser2036=; no amino-acid change (serine 2036 retained).
Molecular consequence: synonymous variant.
Genome position (GRCh38, 1-based): chr3:52,521,645, T>C. VCF-style: chr3-52521645-T-C. GRCh37 (hg19) VCF-style: chr3-52555661-T-C.
Identifiers: ClinVar variation 3905070 (VCV003905070.10).

ClinVar aggregate classification (germline): Likely benign (1 of 4 stars; one submission).

gnomAD v4.1: 442 of 1,613,194 alleles (0.027%); highest among the groups gnomAD compares: African/African-American, 0.48%; 1 homozygote.

Submission:

CeGaT Center for Human Genetics Tuebingen
Classification: Likely benign. Last evaluated: 2025-04-01. Review status: criteria provided, single submitter. Criteria: CeGaT Center For Human Genetics Tuebingen Variant Classification Criteria Version 2. Collection method: clinical testing. Allele origin: germline. Affected: yes. Observed: 1 variant allele.
Comment: STAB1: BP4, BP7